The following is an entry in ClinVar:

NM_001080467.3(MYO5B):c.9G>A (p.Val3=)

Gene: MYO5B (myosin VB; minus strand). Cytogenetic location: 18q21.1.
Variant type: single nucleotide variant.
Coding change: c.9G>A on transcript NM_001080467.3 (MANE Select); coding-DNA position 9, G replaced by A.
Protein change: p.Val3=; no amino-acid change (valine 3 retained).
Molecular consequence: synonymous variant.
Genome position (GRCh38, 1-based): chr18:50,194,785, C>T on the plus strand (G>A on the coding strand, the complement: MYO5B is on the minus strand). VCF-style: chr18-50194785-C-T. GRCh37 (hg19) VCF-style: chr18-47721155-C-T.
Identifiers: ClinVar variation 891468 (VCV000891468.8), dbSNP rs538674235, ClinGen allele CA8962064.

ClinVar aggregate classification (germline): Conflicting classifications of pathogenicity. Review status: criteria provided, conflicting classifications (1 of 4 stars). 3 submissions from 3 submitters: Uncertain significance (2); Likely benign (1). Last evaluated 2026-01-11.

Conditions:
MYO5B-related disorder. Also called: MYO5B-related condition.
Congenital microvillous atrophy (DIAR2). Also called: Diarrhea 2 with microvillus atrophy, with or without cholestasis; Microvillus inclusion disease; CONGENITAL FAMILIAL PROTRACTED DIARRHEA WITH ENTEROCYTE BRUSH-BORDER ABNORMALITIES; DAVIDSON DISEASE; MICROVILLUS ATROPHY, CONGENITAL. Identifiers: Orphanet 2290, MedGen C0341306, MONDO:0009635, OMIM 251850.

Allele frequency attached by ClinVar (database versions not stated): gnomAD 0.00003 and 0.00001; TOPMed 0.00004; gnomAD exomes 0.00006; ExAC 0.00023; 1000 Genomes Project 30x 0.00031; 1000 Genomes Project 0.00040.

Submissions (3):

Labcorp Genetics (formerly Invitae), Labcorp
Classification: Likely benign. Last evaluated: 2026-01-11. Review status: criteria provided, single submitter. Criteria: Invitae Variant Classification Sherloc (09022015). Collection method: clinical testing. Allele origin: germline.

PreventionGenetics, part of Exact Sciences
Classification: Uncertain significance for MYO5B-related condition. Last evaluated: 2025-12-05. Review status: criteria provided, single submitter. Criteria: ACMG Guidelines, 2015. Collection method: clinical testing. Allele origin: germline.
Comment: The MYO5B c.9G>A variant is not predicted to result in an amino acid change (p.=). To our knowledge, this variant has not been reported in the literature. This variant is reported in 0.042% of alleles in individuals of East Asian descent in gnomAD. This variant is predicted to alter splicing based on available splicing prediction programs (SpliceAI, Jaganathan et al. 2019. PubMed ID: 30661751). However, the use of computer prediction programs is not equivalent to functional evidence. At this time, the clinical significance of this variant is uncertain due to the absence of conclusive functional and genetic evidence.

Illumina Laboratory Services, Illumina
Classification: Uncertain significance for Congenital microvillous atrophy. Last evaluated: 2018-01-12. Review status: criteria provided, single submitter. Criteria: ICSL Variant Classification Criteria 13 December 2019. Collection method: clinical testing. Allele origin: germline.